The following is an entry in ClinVar:

ClinVar aggregate classification (germline): Benign/Likely benign. Review status: criteria provided, multiple submitters, no conflicts (2 of 4 stars). 3 submissions from 3 submitters: Benign (1); Likely benign (2). Last evaluated 2024-09-09.

Allele frequency attached by ClinVar (database versions not stated): gnomAD exomes 0.00027 and 0.00064; ExAC 0.00140; ESP Exome Variant Server 0.00223; 1000 Genomes Project 0.00280; gnomAD 0.00298 and 0.00322; 1000 Genomes Project 30x 0.00312; TOPMed 0.00318.

Submissions (3):

Blueprint Genetics
Classification: Likely benign. Last evaluated: 2024-09-09. Review status: criteria provided, single submitter. Criteria: ACMG Guidelines, 2015. Collection method: clinical testing. Allele origin: germline.

CeGaT Center for Human Genetics Tuebingen
Classification: Benign. Last evaluated: 2024-06-01. Review status: criteria provided, single submitter. Criteria: CeGaT Center For Human Genetics Tuebingen Variant Classification Criteria Version 2. Collection method: clinical testing. Allele origin: germline. Affected: yes. Observed: 1 variant allele.
Comment: MKS1: BS1, BS2

GeneDx
Classification: Likely benign. Last evaluated: 2018-08-12. Review status: criteria provided, single submitter. Criteria: GeneDx Variant Classification Process June 2021. Collection method: clinical testing. Allele origin: germline. Affected: yes.

NM_017777.4(MKS1):c.*38del

Gene: MKS1 (MKS transition zone complex subunit 1; minus strand). Cytogenetic location: 17q22.
Variant type: Deletion.
Coding change: c.*38del on transcript NM_017777.4 (MANE Select); 38 bases downstream of the stop codon, one base deleted (A; older notation c.*38delA).
Molecular consequence: 3 prime UTR variant. On other transcripts: frameshift variant (1).
Genome position (GRCh38, 1-based): chr17:58,206,041, T deleted on the plus strand (A on the coding strand, the reverse complement: MKS1 is on the minus strand). VCF-style (leftmost placement, unchanged base first): chr17-58206040-AT-A. GRCh37 (hg19) VCF-style: chr17-56283401-AT-A.
Other names: c.*38del (NM_001321268.2); c.1635del, p.Arg545fs (NM_001321269.2); c.*130del (NM_001330397.2); short protein forms R545fs.
Identifiers: ClinVar variation 1187069 (VCV001187069.21), dbSNP rs34304018, ClinGen allele CA8669042.
Genomic context (GRCh38, chr17:58,206,040, plus strand): 5'-AACGTGGTCTCTAATCAGAAAGACGAAGAGGCAGGAGAGCACTGGCCTCAGATATCCCCC[AT>A]CTTGTCCTCTTGCACTGTGGGCCAGGGCTGCTGTGAGCTAGGAGACCAGGGTTCCAGAGG-3'